The following is an entry in ClinVar:

ClinVar aggregate classification (germline): Uncertain significance (1 of 4 stars; one submission).

Submission:

Labcorp Genetics (formerly Invitae), Labcorp
Classification: Uncertain significance. Last evaluated: 2025-03-17. Review status: criteria provided, single submitter. Criteria: Invitae Variant Classification Sherloc (09022015). Collection method: clinical testing. Allele origin: germline.
Comment: This sequence change replaces aspartic acid, which is acidic and polar, with tyrosine, which is neutral and polar, at codon 72 of the CREB3L3 protein (p.Asp72Tyr). This variant is not present in population databases (gnomAD no frequency). This variant has not been reported in the literature in individuals affected with CREB3L3-related conditions. Invitae Evidence Modeling of protein sequence and biophysical properties (such as structural, functional, and spatial information, amino acid conservation, physicochemical variation, residue mobility, and thermodynamic stability) has been performed for this missense variant. However, the output from this modeling did not meet the statistical confidence thresholds required to predict the impact of this variant on CREB3L3 protein function. In summary, the available evidence is currently insufficient to determine the role of this variant in disease. Therefore, it has been classified as a Variant of Uncertain Significance.

NM_032607.3(CREB3L3):c.214G>T (p.Asp72Tyr)

Gene: CREB3L3 (cAMP responsive element binding protein 3 like 3; plus strand). Cytogenetic location: 19p13.3.
Variant type: single nucleotide variant.
Coding change: c.214G>T on transcript NM_032607.3 (MANE Select); coding-DNA position 214, G replaced by T.
Protein change: p.Asp72Tyr; replaces aspartic acid 72 with tyrosine.
Molecular consequence: missense variant.
Genome position (GRCh38, 1-based): chr19:4,157,052, G>T. VCF-style: chr19-4157052-G-T. GRCh37 (hg19) VCF-style: chr19-4157049-G-T.
Other names: c.211G>T, p.Asp71Tyr (NM_001271995.2); c.214G>T, p.Asp72Tyr (NM_001271996.2, NM_001271997.2); short protein forms D71Y, D72Y.
Identifiers: ClinVar variation 4742036 (VCV004742036.1).
Genomic context (GRCh38, chr19:4,157,052, plus strand): 5'-CAGCAGGTCCTGCCAAACCCCGACTCTGACGACTTCCTCAGCTCCATCCTGGGCTCTGGA[G>T]ACTCACTGCCCAGCTCCCCACTCTGGTCCCCCGAAGGCAGTGATAGTGGCATCTCCGAAG-3'
Protein context (NP_115996.1, residues 62-82): DFLSSILGSG[Asp72Tyr]SLPSSPLWSP